The following is an entry in ClinVar:

NM_014244.5(ADAMTS2):c.3548G>A (p.Arg1183Gln)

Gene: ADAMTS2 (ADAM metallopeptidase with thrombospondin type 1 motif 2; minus strand). Cytogenetic location: 5q35.3.
Variant type: single nucleotide variant.
Coding change: c.3548G>A on transcript NM_014244.5 (MANE Select); coding-DNA position 3548, G replaced by A.
Protein change: p.Arg1183Gln; replaces arginine 1183 with glutamine.
Molecular consequence: missense variant.
Genome position (GRCh38, 1-based): chr5:179,113,955, C>T on the plus strand (G>A on the coding strand, the complement: ADAMTS2 is on the minus strand). VCF-style: chr5-179113955-C-T. GRCh37 (hg19) VCF-style: chr5-178540956-C-T.
Other names: c.3548G>A (NM_014244.4); short protein forms R1183Q.
Identifiers: ClinVar variation 2037819 (VCV002037819.4), dbSNP rs374889359, ClinGen allele CA3595205.

ClinVar aggregate classification (germline): Uncertain significance. Review status: criteria provided, multiple submitters, no conflicts (2 of 4 stars). 2 submissions from 2 submitters: Uncertain significance (2). Last evaluated 2025-09-12.

Conditions:
Ehlers-Danlos syndrome, dermatosparaxis type. Also called: Ehlers-Danlos syndrome, type VII, autosomal recessive; EDS VIIC; Dermatosparaxis. Identifiers: Orphanet 1901, MedGen C2700425, MONDO:0009161, OMIM 225410.

Allele frequency attached by ClinVar (database versions not stated): gnomAD 0.00003.
gnomAD v4.1: 58 of 1,613,964 alleles (0.0036%); highest among the groups gnomAD compares: Non-Finnish European, 0.0047%; no homozygotes.

Submissions (2):

GeneDx
Classification: Uncertain significance. Last evaluated: 2025-09-12. Review status: criteria provided, single submitter. Criteria: GeneDx Variant Classification Process June 2021. Collection method: clinical testing. Allele origin: germline.
Comment: In silico analysis suggests that this missense variant does not alter protein structure/function; Has not been previously published as pathogenic or benign to our knowledge

Labcorp Genetics (formerly Invitae), Labcorp
Classification: Uncertain significance for Ehlers-Danlos syndrome, dermatosparaxis type. Last evaluated: 2024-05-12. Review status: criteria provided, single submitter. Criteria: Invitae Variant Classification Sherloc (09022015). Collection method: clinical testing. Allele origin: germline.
Comment: This sequence change replaces arginine, which is basic and polar, with glutamine, which is neutral and polar, at codon 1183 of the ADAMTS2 protein (p.Arg1183Gln). This variant is present in population databases (rs374889359, gnomAD 0.02%). This variant has not been reported in the literature in individuals affected with ADAMTS2-related conditions. ClinVar contains an entry for this variant (Variation ID: 2037819). An algorithm developed to predict the effect of missense changes on protein structure and function (PolyPhen-2) suggests that this variant is likely to be disruptive. In summary, the available evidence is currently insufficient to determine the role of this variant in disease. Therefore, it has been classified as a Variant of Uncertain Significance.